The following is an entry in ClinVar:

NM_000138.5(FBN1):c.8595A>C (p.Lys2865Asn)

Gene: FBN1 (fibrillin 1; minus strand). Cytogenetic location: 15q21.1.
Variant type: single nucleotide variant.
Coding change: c.8595A>C on transcript NM_000138.5 (MANE Select); coding-DNA position 8595, A replaced by C.
Protein change: p.Lys2865Asn; replaces lysine 2865 with asparagine.
Molecular consequence: missense variant.
Genome position (GRCh38, 1-based): chr15:48,411,011, T>G on the plus strand (A>C on the coding strand, the complement: FBN1 is on the minus strand). VCF-style: chr15-48411011-T-G. GRCh37 (hg19) VCF-style: chr15-48703208-T-G.
Other names: short protein forms K2865N.
Identifiers: ClinVar variation 926615 (VCV000926615.5), dbSNP rs2042856403, ClinGen allele CA392318428.

ClinVar aggregate classification (germline): Uncertain significance (1 of 4 stars; one submission).

Conditions:
Familial thoracic aortic aneurysm and aortic dissection (TAAD). Also called: Thoracic aortic aneurysms and dissections. Identifiers: Orphanet 91387, MedGen C4707243, MONDO:0019625.

Submission:

Color Diagnostics, LLC DBA Color Health
Classification: Uncertain significance for Familial thoracic aortic aneurysm and aortic dissection. Last evaluated: 2023-12-04. Review status: criteria provided, single submitter. Criteria: ACMG Guidelines, 2015. Collection method: clinical testing. Allele origin: germline.
Comment: This missense variant replaces lysine with asparagine at codon 2865 of the FBN1 protein. Computational prediction tools and conservation analyses are inconclusive regarding the impact of this variant on protein structure and function. Splice site prediction tools suggest that this variant may not impact RNA splicing. To our knowledge, functional studies have not been performed for this variant. This variant has not been reported in individuals affected with cardiovascular disorders in the literature. This variant has not been identified in the general population by the Genome Aggregation Database (gnomAD). The available evidence is insufficient to determine the role of this variant in disease conclusively. Therefore, this variant is classified as a Variant of Uncertain Significance.